The following is an entry in ClinVar:

ClinVar aggregate classification (germline): Uncertain significance (1 of 4 stars; one submission).

Submission:

GeneDx
Classification: Uncertain significance. Last evaluated: 2023-06-05. Review status: criteria provided, single submitter. Criteria: GeneDx Variant Classification Process June 2021. Collection method: clinical testing. Allele origin: germline. Affected: yes.
Comment: Not observed at significant frequency in large population cohorts (gnomAD); In silico analysis supports that this missense variant does not alter protein structure/function; Has not been previously published as pathogenic or benign to our knowledge

NM_000245.4(MET):c.3205G>A (p.Val1069Ile)

Gene: MET (MET proto-oncogene, receptor tyrosine kinase; plus strand). Cytogenetic location: 7q31.2.
Variant type: single nucleotide variant.
Coding change: c.3205G>A on transcript NM_000245.4 (MANE Select); coding-DNA position 3205, G replaced by A.
Protein change: p.Val1069Ile; replaces valine 1069 with isoleucine.
Molecular consequence: missense variant.
Genome position (GRCh38, 1-based): chr7:116,775,057, G>A. VCF-style: chr7-116775057-G-A. GRCh37 (hg19) VCF-style: chr7-116415111-G-A.
Other names: c.3259G>A, p.Val1087Ile (NM_001127500.3); c.1915G>A, p.Val639Ile (NM_001324402.2); short protein forms V1069I, V1087I, V639I.
Identifiers: ClinVar variation 3359619 (VCV003359619.1).